The following is an entry in ClinVar:

NM_000020.3(ACVRL1):c.799C>T (p.Arg267Cys)

Gene: ACVRL1 (activin A receptor like type 1; plus strand). Cytogenetic location: 12q13.13.
Variant type: single nucleotide variant.
Coding change: c.799C>T on transcript NM_000020.3 (MANE Select); coding-DNA position 799, C replaced by T.
Protein change: p.Arg267Cys; replaces arginine 267 with cysteine.
Molecular consequence: missense variant.
Genome position (GRCh38, 1-based): chr12:51,915,251, C>T. VCF-style: chr12-51915251-C-T. GRCh37 (hg19) VCF-style: chr12-52309035-C-T.
Other names: c.799C>T, p.Arg267Cys (NM_001077401.2, NM_001406487.1, NM_001406488.1 and 1 more transcripts); c.487C>T, p.Arg163Cys (NM_001406490.1, NM_001406491.1, NM_001406492.1 and 2 more transcripts); c.235C>T, p.Arg79Cys (NM_001406495.1); short protein forms R163C, R267C, R79C.
Identifiers: ClinVar variation 4686812 (VCV004686812.2).

ClinVar aggregate classification (germline): Uncertain significance. Review status: criteria provided, multiple submitters, no conflicts (2 of 4 stars). 2 submissions from 2 submitters: Uncertain significance (2). Last evaluated 2026-03-12.

Conditions:
Cardiovascular phenotype. Identifiers: MedGen CN230736.

gnomAD v4.1: 10 of 1,614,006 alleles (0.00062%); highest among the groups gnomAD compares: East Asian, 0.0045%; no homozygotes.

Submissions (2):

Ambry Genetics
Classification: Uncertain significance for Cardiovascular phenotype. Last evaluated: 2026-03-12. Review status: criteria provided, single submitter. Criteria: Ambry Variant Classification Scheme 2023. Collection method: clinical testing. Allele origin: germline.
Comment: The p.R267C variant (also known as c.799C>T), located in coding exon 6 of the ACVRL1 gene, results from a C to T substitution at nucleotide position 799. The arginine at codon 267 is replaced by cysteine, an amino acid with highly dissimilar properties. This amino acid position is conserved. In addition, this alteration is predicted to be deleterious by in silico analysis. Based on the available evidence, the clinical significance of this variant remains unclear.

GeneDx
Classification: Uncertain significance. Last evaluated: 2025-07-15. Review status: criteria provided, single submitter. Criteria: GeneDx Variant Classification Process June 2021. Collection method: clinical testing. Allele origin: germline. Affected: yes.
Comment: Not observed at significant frequency in large population cohorts (gnomAD); In silico analysis supports that this missense variant has a deleterious effect on protein structure/function; Has not been previously published as pathogenic or benign to our knowledge